The following is an entry in ClinVar:

ClinVar aggregate classification (germline): Uncertain significance (1 of 4 stars; one submission).

Allele frequency attached by ClinVar (database versions not stated): TOPMed below 0.00001.

Submission:

Labcorp Genetics (formerly Invitae), Labcorp
Classification: Uncertain significance. Last evaluated: 2021-11-18. Review status: criteria provided, single submitter. Criteria: Invitae Variant Classification Sherloc (09022015). Collection method: clinical testing. Allele origin: germline.
Comment: This sequence change replaces proline, which is neutral and non-polar, with alanine, which is neutral and non-polar, at codon 707 of the CFH protein (p.Pro707Ala). This variant is not present in population databases (gnomAD no frequency). In summary, the available evidence is currently insufficient to determine the role of this variant in disease. Therefore, it has been classified as a Variant of Uncertain Significance. Algorithms developed to predict the effect of missense changes on protein structure and function are either unavailable or do not agree on the potential impact of this missense change (SIFT: "Tolerated"; PolyPhen-2: "Possibly Damaging"; Align-GVGD: "Class C0"). This variant has not been reported in the literature in individuals affected with CFH-related conditions.

NM_000186.4(CFH):c.2119C>G (p.Pro707Ala)

Gene: CFH (complement factor H; plus strand). Cytogenetic location: 1q31.3.
Variant type: single nucleotide variant.
Coding change: c.2119C>G on transcript NM_000186.4 (MANE Select); coding-DNA position 2119, C replaced by G.
Protein change: p.Pro707Ala; replaces proline 707 with alanine.
Molecular consequence: missense variant.
Genome position (GRCh38, 1-based): chr1:196,726,823, C>G. VCF-style: chr1-196726823-C-G. GRCh37 (hg19) VCF-style: chr1-196695953-C-G.
Other names: short protein forms P707A.
Identifiers: ClinVar variation 1382920 (VCV001382920.6), dbSNP rs1261903275, ClinGen allele CA343989322.